The following is an entry in ClinVar:

ClinVar aggregate classification (germline): Uncertain significance (1 of 4 stars; one submission).

Conditions:
Multiple endocrine neoplasia, type 1 (MEN1). Also called: MEN I; WERMER SYNDROME; Endocrine adenomatosis multiple; MEN 1; MEA I. Identifiers: Orphanet 652, MedGen C0025267, MeSH D018761, MONDO:0007540, OMIM 131100.

Submission:

Labcorp Genetics (formerly Invitae), Labcorp
Classification: Uncertain significance for Multiple endocrine neoplasia, type 1. Last evaluated: 2023-11-10. Review status: criteria provided, single submitter. Criteria: Invitae Variant Classification Sherloc (09022015). Collection method: clinical testing. Allele origin: germline.
Comment: This sequence change replaces arginine, which is basic and polar, with leucine, which is neutral and non-polar, at codon 206 of the MEN1 protein (p.Arg206Leu). This variant is not present in population databases (gnomAD no frequency). This variant has not been reported in the literature in individuals affected with MEN1-related conditions. Advanced modeling of protein sequence and biophysical properties (such as structural, functional, and spatial information, amino acid conservation, physicochemical variation, residue mobility, and thermodynamic stability) performed at Invitae indicates that this missense variant is expected to disrupt MEN1 protein function with a positive predictive value of 95%. In summary, the available evidence is currently insufficient to determine the role of this variant in disease. Therefore, it has been classified as a Variant of Uncertain Significance.

NM_001370259.2(MEN1):c.617G>T (p.Arg206Leu)

Gene: MEN1 (menin 1; minus strand). Cytogenetic location: 11q13.1.
Variant type: single nucleotide variant.
Coding change: c.617G>T on transcript NM_001370259.2 (MANE Select); coding-DNA position 617, G replaced by T.
Protein change: p.Arg206Leu; replaces arginine 206 with leucine.
Molecular consequence: missense variant. On other transcripts: non-coding transcript variant (4), intron variant (5).
Genome position (GRCh38, 1-based): chr11:64,807,928, C>A on the plus strand (G>T on the coding strand, the complement: MEN1 is on the minus strand). VCF-style: chr11-64807928-C-A. GRCh37 (hg19) VCF-style: chr11-64575400-C-A.
Other names: c.632G>T, p.Arg211Leu (NM_000244.4, NM_001407145.1, NM_001407150.1 and 5 more transcripts); c.617G>T, p.Arg206Leu (NM_001370251.2, NM_001370260.2, NM_001370261.2 and 7 more transcripts); c.549+68G>T (NM_001407148.1, NM_001407149.1, NM_001407151.1 and 2 more transcripts); short protein forms R206L, R211L.
Identifiers: ClinVar variation 2694659 (VCV002694659.1), dbSNP rs1565647825, ClinGen allele CA381185403.